The following is an entry in ClinVar:

ClinVar aggregate classification (germline): Uncertain significance. Review status: criteria provided, multiple submitters, no conflicts (2 of 4 stars). 2 submissions from 2 submitters: Uncertain significance (2). Last evaluated 2025-05-13.

Conditions:
Hereditary nonpolyposis colorectal neoplasms. Identifiers: MedGen C0009405, MeSH D003123.
Hereditary cancer-predisposing syndrome. Also called: Neoplastic Syndromes, Hereditary; Tumor predisposition; Hereditary Cancer Syndrome; Hereditary neoplastic syndrome. Identifiers: Orphanet 140162, MedGen C0027672, MeSH D009386, MONDO:0015356.

Submissions (2):

Ambry Genetics
Classification: Uncertain significance for Hereditary cancer-predisposing syndrome. Last evaluated: 2025-05-13. Review status: criteria provided, single submitter. Criteria: Ambry Variant Classification Scheme 2023. Collection method: clinical testing. Allele origin: germline.
Comment: The p.R300L variant (also known as c.899G>T), located in coding exon 4 of the MSH6 gene, results from a G to T substitution at nucleotide position 899. The arginine at codon 300 is replaced by leucine, an amino acid with dissimilar properties. This amino acid position is highly conserved in available vertebrate species. In addition, this alteration is predicted to be deleterious by in silico analysis. Since supporting evidence is limited at this time, the clinical significance of this alteration remains unclear.

Labcorp Genetics (formerly Invitae), Labcorp
Classification: Uncertain significance for Hereditary nonpolyposis colorectal neoplasms. Last evaluated: 2019-03-28. Review status: criteria provided, single submitter. Criteria: Invitae Variant Classification Sherloc (09022015). Collection method: clinical testing. Allele origin: germline.
Comment: This sequence change replaces arginine with leucine at codon 300 of the MSH6 protein (p.Arg300Leu). The arginine residue is highly conserved and there is a moderate physicochemical difference between arginine and leucine. This variant is not present in population databases (ExAC no frequency). This variant has been observed in an individual with a personal and/or family history of cancer (PMID: 27878467). ClinVar contains an entry for this variant (Variation ID: 187031). Algorithms developed to predict the effect of missense changes on protein structure and function are either unavailable or do not agree on the potential impact of this missense change (SIFT: "Deleterious"; PolyPhen-2: "Benign"; Align-GVGD: "Class C65"). In summary, the available evidence is currently insufficient to determine the role of this variant in disease. Therefore, it has been classified as a Variant of Uncertain Significance.

Literature cited by the submitters: PubMed 27878467 (cited by Labcorp Genetics (formerly Invitae), Labcorp).

NM_000179.3(MSH6):c.899G>T (p.Arg300Leu)

Gene: MSH6 (mutS homolog 6; plus strand). Cytogenetic location: 2p16.3.
Variant type: single nucleotide variant.
Coding change: c.899G>T on transcript NM_000179.3 (MANE Select); coding-DNA position 899, G replaced by T.
Protein change: p.Arg300Leu; replaces arginine 300 with leucine.
Molecular consequence: missense variant. On other transcripts: 5 prime UTR variant (2).
Genome position (GRCh38, 1-based): chr2:47,798,882, G>T. VCF-style: chr2-47798882-G-T. GRCh37 (hg19) VCF-style: chr2-48026021-G-T.
Other names: c.509G>T, p.Arg170Leu (NM_001281492.2); c.-8G>T (NM_001281493.2, NM_001281494.2); short protein forms R300L, R170L.
Identifiers: ClinVar variation 187031 (VCV000187031.17), dbSNP rs55760494, ClinGen allele CA016620.